The following is an entry in ClinVar:

ClinVar aggregate classification (germline): Uncertain significance (1 of 4 stars; one submission).

Conditions:
Dyskeratosis congenita, autosomal recessive 6 (DKCB6). Identifiers: MedGen C4225356, MONDO:0014600, OMIM 616353.
Pulmonary fibrosis and/or bone marrow failure, Telomere-related, 4. Also called: PULMONARY FIBROSIS AND/OR BONE MARROW FAILURE SYNDROME, TELOMERE-RELATED, 4. Identifiers: Orphanet 2032, MedGen C4225347, MONDO:0014612, OMIM 616371.

gnomAD v4.1: 2 of 1,613,848 alleles (0.00012%); highest among the groups gnomAD compares: South Asian, 0.0022%; no homozygotes.

Submission:

Labcorp Genetics (formerly Invitae), Labcorp
Classification: Uncertain significance for Dyskeratosis congenita, autosomal recessive 6; Pulmonary fibrosis and/or bone marrow failure, Telomere-related, 4. Last evaluated: 2026-01-29. Review status: criteria provided, single submitter. Criteria: Invitae Variant Classification Sherloc (09022015). Collection method: clinical testing. Allele origin: germline.
Comment: This sequence change replaces alanine, which is neutral and non-polar, with glycine, which is neutral and non-polar, at codon 576 of the PARN protein (p.Ala576Gly). This variant is not present in population databases (gnomAD no frequency). This variant has not been reported in the literature in individuals affected with PARN-related conditions. ClinVar contains an entry for this variant (Variation ID: 3751505). An algorithm developed to predict the effect of missense changes on protein structure and function outputs the following: PolyPhen-2: "Benign". The glycine amino acid residue is found in multiple mammalian species, which suggests that this missense change does not adversely affect protein function. In summary, the available evidence is currently insufficient to determine the role of this variant in disease. Therefore, it has been classified as a Variant of Uncertain Significance.

NM_002582.4(PARN):c.1727C>G (p.Ala576Gly)

Gene: PARN (poly(A)-specific ribonuclease; minus strand). Cytogenetic location: 16p13.12.
Variant type: single nucleotide variant.
Coding change: c.1727C>G on transcript NM_002582.4 (MANE Select); coding-DNA position 1727, C replaced by G.
Protein change: p.Ala576Gly; replaces alanine 576 with glycine.
Molecular consequence: missense variant.
Genome position (GRCh38, 1-based): chr16:14,447,025, G>C on the plus strand (C>G on the coding strand, the complement: PARN is on the minus strand). VCF-style: chr16-14447025-G-C. GRCh37 (hg19) VCF-style: chr16-14540882-G-C.
Other names: c.1544C>G, p.Ala515Gly (NM_001134477.3); c.1589C>G, p.Ala530Gly (NM_001242992.2); short protein forms A515G, A530G, A576G.
Identifiers: ClinVar variation 3751505 (VCV003751505.2).